The following is an entry in ClinVar:

NM_001853.4(COL9A3):c.1348C>T (p.Pro450Ser)

Gene: COL9A3 (collagen type IX alpha 3 chain; plus strand). Cytogenetic location: 20q13.33.
Variant type: single nucleotide variant.
Coding change: c.1348C>T on transcript NM_001853.4 (MANE Select); coding-DNA position 1348, C replaced by T.
Protein change: p.Pro450Ser; replaces proline 450 with serine.
Molecular consequence: missense variant.
Genome position (GRCh38, 1-based): chr20:62,833,044, C>T. VCF-style: chr20-62833044-C-T. GRCh37 (hg19) VCF-style: chr20-61464396-C-T.
Other names: short protein forms P450S.
Identifiers: ClinVar variation 3684709 (VCV003684709.3).

ClinVar aggregate classification (germline): Uncertain significance. Review status: criteria provided, multiple submitters, no conflicts (2 of 4 stars). 2 submissions from 2 submitters: Uncertain significance (2). Last evaluated 2025-10-29.

gnomAD v4.1: 12 of 1,613,718 alleles (0.00074%); highest among the groups gnomAD compares: Non-Finnish European, 0.00085%; no homozygotes.

Submissions (2):

Labcorp Genetics (formerly Invitae), Labcorp
Classification: Uncertain significance. Last evaluated: 2025-10-29. Review status: criteria provided, single submitter. Criteria: Invitae Variant Classification Sherloc (09022015). Collection method: clinical testing. Allele origin: germline.
Comment: This sequence change replaces proline, which is neutral and non-polar, with serine, which is neutral and polar, at codon 450 of the COL9A3 protein (p.Pro450Ser). This variant is not present in population databases (gnomAD no frequency). This variant has not been reported in the literature in individuals affected with COL9A3-related conditions. ClinVar contains an entry for this variant (Variation ID: 3684709). Invitae Evidence Modeling of protein sequence and biophysical properties (such as structural, functional, and spatial information, amino acid conservation, physicochemical variation, residue mobility, and thermodynamic stability) indicates that this missense variant is not expected to disrupt COL9A3 protein function with a negative predictive value of 95%. In summary, the available evidence is currently insufficient to determine the role of this variant in disease. Therefore, it has been classified as a Variant of Uncertain Significance.

Blueprint Genetics
Classification: Uncertain significance. Last evaluated: 2021-05-31. Review status: criteria provided, single submitter. Criteria: ACMG Guidelines, 2015. Collection method: clinical testing. Allele origin: germline.